The following is an entry in ClinVar:

ClinVar aggregate classification (germline): Uncertain significance (1 of 4 stars; one submission).

Conditions:
Neurofibromatosis, type 1 (NF1). Also called: Peripheral type neurofibromatosis; VON RECKLINGHAUSEN DISEASE; Neurofibromatosis, type I; NEUROFIBROMATOSIS, TYPE I, SOMATIC. Identifiers: Orphanet 636, MedGen C0027831, MONDO:0018975, OMIM 162200. Disease mechanism: loss of function.

Submission:

Labcorp Genetics (formerly Invitae), Labcorp
Classification: Uncertain significance for Neurofibromatosis, type 1. Last evaluated: 2023-11-11. Review status: criteria provided, single submitter. Criteria: Invitae Variant Classification Sherloc (09022015). Collection method: clinical testing. Allele origin: germline.
Comment: This sequence change replaces arginine, which is basic and polar, with lysine, which is basic and polar, at codon 1512 of the NF1 protein (p.Arg1512Lys). This variant is not present in population databases (gnomAD no frequency). This variant has not been reported in the literature in individuals affected with NF1-related conditions. Advanced modeling of protein sequence and biophysical properties (such as structural, functional, and spatial information, amino acid conservation, physicochemical variation, residue mobility, and thermodynamic stability) performed at Invitae indicates that this missense variant is expected to disrupt NF1 protein function with a positive predictive value of 95%. Algorithms developed to predict the effect of sequence changes on RNA splicing suggest that this variant may disrupt the consensus splice site. In summary, the available evidence is currently insufficient to determine the role of this variant in disease. Therefore, it has been classified as a Variant of Uncertain Significance.

NM_001042492.3(NF1):c.4598G>A (p.Arg1533Lys)

Gene: NF1 (neurofibromin 1; plus strand). Cytogenetic location: 17q11.2.
Variant type: single nucleotide variant.
Coding change: c.4598G>A on transcript NM_001042492.3 (MANE Select); coding-DNA position 4598, G replaced by A.
Protein change: p.Arg1533Lys; replaces arginine 1533 with lysine.
Molecular consequence: missense variant.
Genome position (GRCh38, 1-based): chr17:31,261,731, G>A. VCF-style: chr17-31261731-G-A. GRCh37 (hg19) VCF-style: chr17-29588749-G-A.
Other names: c.4535G>A, p.Arg1512Lys (NM_000267.4); short protein forms R1512K, R1533K.
Identifiers: ClinVar variation 2695119 (VCV002695119.3), dbSNP rs2151466240, ClinGen allele CA399000159.